The following is an entry in ClinVar:

NM_177438.3(DICER1):c.4812C>A (p.Cys1604Ter)

Gene: DICER1 (dicer 1, ribonuclease III; minus strand). Cytogenetic location: 14q32.13.
Variant type: single nucleotide variant.
Coding change: c.4812C>A on transcript NM_177438.3 (MANE Select); coding-DNA position 4812, C replaced by A.
Protein change: p.Cys1604Ter; replaces cysteine 1604 with a stop codon.
Molecular consequence: nonsense.
Genome position (GRCh38, 1-based): chr14:95,096,108, G>T on the plus strand (C>A on the coding strand, the complement: DICER1 is on the minus strand). VCF-style: chr14-95096108-G-T. GRCh37 (hg19) VCF-style: chr14-95562445-G-T.
Other names: c.4812C>A, p.Cys1604Ter (NM_001195573.1, NM_001271282.3, NM_001291628.2 and 1 more transcripts); short protein forms C1604*.
Identifiers: ClinVar variation 429128 (VCV000429128.8), dbSNP rs1131691201, ClinGen allele CA390867027.

ClinVar aggregate classification (germline): Pathogenic. Review status: criteria provided, multiple submitters, no conflicts (2 of 4 stars). 2 submissions from 2 submitters: Pathogenic (2). Last evaluated 2019-07-01.

Conditions:
DICER1-related tumor predisposition. Also called: DICER1-related pleuropulmonary blastoma cancer predisposition syndrome; DICER1 syndrome. Identifiers: Orphanet 284343, MedGen C3839822, MONDO:0100216.
Hereditary cancer-predisposing syndrome. Also called: Hereditary neoplastic syndrome; Tumor predisposition; Neoplastic Syndromes, Hereditary; Hereditary Cancer Syndrome. Identifiers: Orphanet 140162, MedGen C0027672, MeSH D009386, MONDO:0015356.

Submissions (2):

Foulkes Cancer Genetics LDI, Lady Davis Institute for Medical Research
Classification: Pathogenic for Pleuropulmonary blastoma. Last evaluated: 2019-07-01. Review status: criteria provided, single submitter. Criteria: ACMG Guidelines, 2015. Collection method: curation. Allele origin: germline. Affected: yes. Observed: 1 variant allele.
Comment: ACMG criteria met: PVS1, PM2, PP4

Ambry Genetics
Classification: Pathogenic for Hereditary cancer-predisposing syndrome. Last evaluated: 2014-06-24. Review status: criteria provided, single submitter. Criteria: Ambry Variant Classification Scheme 2023. Collection method: clinical testing. Allele origin: germline.
Comment: The p.C1604* pathogenic mutation (also known as c.4812C>A), located in coding exon 22 of the DICER1 gene, results from a C to A substitution at nucleotide position 4812. This changes the amino acid from a cysteine to a stop codon within coding exon 22. Since premature stop codons are typically deleterious in nature, this alteration is interpreted as a disease-causing mutation (ACMG Recommendations for Standards for Interpretation and Reporting of Sequence Variations. Revision 2007. Genet Med. 2008;10:294).

Literature cited by the submitters: PubMed 28323992 (cited by Foulkes Cancer Genetics LDI, Lady Davis Institute for Medical Research).